The following is an entry in ClinVar:

NM_001110556.2(FLNA):c.1222A>G (p.Thr408Ala)

Gene: FLNA (filamin A; minus strand). Cytogenetic location: Xq28.
Variant type: single nucleotide variant.
Coding change: c.1222A>G on transcript NM_001110556.2 (MANE Select); coding-DNA position 1222, A replaced by G.
Protein change: p.Thr408Ala; replaces threonine 408 with alanine.
Molecular consequence: missense variant.
Genome position (GRCh38, 1-based): chrX:154,366,314, T>C on the plus strand (A>G on the coding strand, the complement: FLNA is on the minus strand). VCF-style: chrX-154366314-T-C. GRCh37 (hg19) VCF-style: chrX-153594682-T-C.
Other names: c.1222A>G, p.Thr408Ala (NM_001456.4); short protein forms T408A.
Identifiers: ClinVar variation 757074 (VCV000757074.10), dbSNP rs782041563, ClinGen allele CA10561237.
Genomic context (GRCh38, chrX:154,366,314, plus strand): 5'-GCCCCAGTGCGGCTCTCCCCACAGACCAGCTGGGCCTTGGCAGCCTCCCCTCACCTGCCG[T>C]AAAGATCTCAAAGTAGGTGGTCTTGTTGGCGATGTTGCCACTGGGCTCCAGGCCGGGACC-3'
Protein context (NP_001104026.1, residues 398-418): ANKTTYFEIF[Thr408Ala]AGAGTGEVEV

ClinVar aggregate classification (germline): Likely benign. Review status: criteria provided, multiple submitters, no conflicts (2 of 4 stars). 2 submissions from 2 submitters: Likely benign (2). Last evaluated 2026-08-01.

Conditions:
Melnick-Needles syndrome (MNS). Also called: MELNICK-NEEDLES OSTEODYSPLASTY; OSTEODYSPLASTY OF MELNICK AND NEEDLES; Melnick-Needles Syndrome (FLNA-MNS). Identifiers: Orphanet 2484, MedGen C0025237, MONDO:0010650, OMIM 309350.
Heterotopia, periventricular, X-linked dominant (PVNH1). Also called: PERIVENTRICULAR NODULAR HETEROTOPIA 1; X-linked periventricular heterotopia; PERIVENTRICULAR NODULAR HETEROTOPIA 4; HETEROTOPIA, PERIVENTRICULAR, 1. Identifiers: Orphanet 2149, Orphanet 82004, MedGen C1848213, MONDO:0010233, OMIM 300049.
Oto-palato-digital syndrome, type II (OPD2). Also called: FACIOPALATOOSSEOUS SYNDROME; OPD II SYNDROME; Otopalatodigital Syndrome, Type II; Otopalatodigital Syndrome Type 2 (FLNA-OPD2). Identifiers: Orphanet 669, Orphanet 90652, MedGen C1844696, MONDO:0010571, OMIM 304120.
Frontometaphyseal dysplasia (FMD1). Identifiers: Orphanet 1826, MedGen C0265293, MONDO:0015942.

Allele frequency attached by ClinVar (database versions not stated): gnomAD 0.00001; gnomAD exomes 0.00001 and 0.00007; ExAC 0.00002; TOPMed 0.00002.
gnomAD v4.1: 14 of 1,210,744 alleles (0.0012%); highest among the groups gnomAD compares: Admixed American, 0.03%; no homozygotes.

Submissions (2):

CeGaT Center for Human Genetics Tuebingen
Classification: Likely benign. Last evaluated: 2026-08-01. Review status: criteria provided, single submitter. Criteria: CeGaT Center For Human Genetics Tuebingen Variant Classification Criteria Version 2. Collection method: clinical testing. Allele origin: germline. Affected: yes. Observed: 1 variant allele.
Comment: FLNA: BS2

Labcorp Genetics (formerly Invitae), Labcorp
Classification: Likely benign for Oto-palato-digital syndrome, type II; Heterotopia, periventricular, X-linked dominant; Frontometaphyseal dysplasia; Melnick-Needles syndrome. Last evaluated: 2024-06-03. Review status: criteria provided, single submitter. Criteria: Invitae Variant Classification Sherloc (09022015). Collection method: clinical testing. Allele origin: germline.